The following is an entry in ClinVar:

ClinVar aggregate classification (germline): Uncertain significance (1 of 4 stars; one submission).

Submission:

GeneDx
Classification: Uncertain significance. Last evaluated: 2017-02-01. Review status: criteria provided, single submitter. Criteria: GeneDx Variant Classification (06012015). Collection method: clinical testing. Allele origin: germline. Affected: yes.
Comment: A variant of uncertain significance has been identified in the ZNF469 gene. The R1027S variant has not been published as pathogenic or been reported as benign to our knowledge. Data from control individuals was not available to assess whether the R1027S variant may be a common benign variant in the general population. The R1027S variant is a semi-conservative amino acid substitution, which may impact secondary protein structure as these residues differ in some properties. However, this substitution occurs at a position that is not conserved across species. In silico analysis predicts this variant probably does not alter the protein structure/function.

NM_001367624.2(ZNF469):c.3079C>A (p.Arg1027Ser)

Gene: ZNF469 (zinc finger protein 469; plus strand). Cytogenetic location: 16q24.2.
Variant type: single nucleotide variant.
Coding change: c.3079C>A on transcript NM_001367624.2 (MANE Select); coding-DNA position 3079, C replaced by A.
Protein change: p.Arg1027Ser; replaces arginine 1027 with serine.
Molecular consequence: missense variant.
Genome position (GRCh38, 1-based): chr16:88,430,549, C>A. VCF-style: chr16-88430549-C-A. GRCh37 (hg19) VCF-style: chr16-88496957-C-A.
Other names: short protein forms R1027S.
Identifiers: ClinVar variation 393246 (VCV000393246.1), dbSNP rs1057524853, ClinGen allele CA16607458.